The following is an entry in ClinVar:

NM_001204.7(BMPR2):c.2807A>G (p.Gln936Arg)

Gene: BMPR2 (bone morphogenetic protein receptor type 2; plus strand). Cytogenetic location: 2q33.2.
Variant type: single nucleotide variant.
Coding change: c.2807A>G on transcript NM_001204.7 (MANE Select); coding-DNA position 2807, A replaced by G.
Protein change: p.Gln936Arg; replaces glutamine 936 with arginine.
Molecular consequence: missense variant.
Genome position (GRCh38, 1-based): chr2:202,556,472, A>G. VCF-style: chr2-202556472-A-G. GRCh37 (hg19) VCF-style: chr2-203421195-A-G.
Other names: short protein forms Q936R.
Identifiers: ClinVar variation 896890 (VCV000896890.5), dbSNP rs1688575030, ClinGen allele CA350349836.

ClinVar aggregate classification (germline): Uncertain significance. Review status: criteria provided, multiple submitters, no conflicts (2 of 4 stars). 2 submissions from 2 submitters: Uncertain significance (2). Last evaluated 2024-11-22.

Conditions:
Pulmonary hypertension, primary, 1 (PPH1). Also called: Pulmonary hypertension, familial primary, 1, with or without HHT. Identifiers: Orphanet 422, MedGen C4552070, MONDO:0024533, OMIM 178600.
Inborn genetic diseases. Identifiers: MedGen C0950123, MeSH D030342.

gnomAD v4.1: 1 of 1,614,232 alleles (0.000062%); highest among the groups gnomAD compares: Non-Finnish European, 0.000085%; no homozygotes.

Submissions (2):

Ambry Genetics
Classification: Uncertain significance for Inborn genetic diseases. Last evaluated: 2024-11-22. Review status: criteria provided, single submitter. Criteria: Ambry Variant Classification Scheme 2023. Collection method: clinical testing. Allele origin: germline.
Comment: The p.Q936R variant (also known as c.2807A>G), located in coding exon 12 of the BMPR2 gene, results from an A to G substitution at nucleotide position 2807. The glutamine at codon 936 is replaced by arginine, an amino acid with highly similar properties. This amino acid position is conserved. In addition, the in silico prediction for this alteration is inconclusive. Based on the available evidence, the clinical significance of this variant remains unclear.

Illumina Laboratory Services, Illumina
Classification: Uncertain significance for Pulmonary hypertension, primary, 1. Last evaluated: 2018-01-13. Review status: criteria provided, single submitter. Criteria: ICSL Variant Classification Criteria 13 December 2019. Collection method: clinical testing. Allele origin: germline.